The following is an entry in ClinVar:

NM_005428.4(VAV1):c.1648C>T (p.Arg550Trp)

Gene: VAV1 (vav guanine nucleotide exchange factor 1; plus strand). Cytogenetic location: 19p13.3.
Variant type: single nucleotide variant.
Coding change: c.1648C>T on transcript NM_005428.4 (MANE Select); coding-DNA position 1648, C replaced by T.
Protein change: p.Arg550Trp; replaces arginine 550 with tryptophan.
Molecular consequence: missense variant.
Genome position (GRCh38, 1-based): chr19:6,833,565, C>T. VCF-style: chr19-6833565-C-T. GRCh37 (hg19) VCF-style: chr19-6833576-C-T.
Other names: c.1648C>T, p.Arg550Trp (NM_001258206.2); c.1552C>T, p.Arg518Trp (NM_001258207.2); short protein forms R518W, R550W.
Identifiers: ClinVar variation 1905432 (VCV001905432.4), dbSNP rs759577156, ClinGen allele CA9132668.

ClinVar aggregate classification (germline): Uncertain significance (1 of 4 stars; one submission).

Allele frequency attached by ClinVar (database versions not stated): ExAC 0.00001; gnomAD exomes 0.00001; gnomAD 0.00003; TOPMed 0.00003.
gnomAD v4.1: 20 of 1,612,088 alleles (0.0012%); highest among the groups gnomAD compares: Admixed American, 0.0033%; no homozygotes.

Submission:

Labcorp Genetics (formerly Invitae), Labcorp
Classification: Uncertain significance. Last evaluated: 2024-06-30. Review status: criteria provided, single submitter. Criteria: Invitae Variant Classification Sherloc (09022015). Collection method: clinical testing. Allele origin: germline.
Comment: This sequence change replaces arginine, which is basic and polar, with tryptophan, which is neutral and slightly polar, at codon 550 of the VAV1 protein (p.Arg550Trp). This variant is present in population databases (rs759577156, gnomAD 0.006%). This variant has not been reported in the literature in individuals affected with VAV1-related conditions. ClinVar contains an entry for this variant (Variation ID: 1905432). An algorithm developed to predict the effect of missense changes on protein structure and function (PolyPhen-2) suggests that this variant is likely to be disruptive. In summary, the available evidence is currently insufficient to determine the role of this variant in disease. Therefore, it has been classified as a Variant of Uncertain Significance.